The following is an entry in ClinVar:

NM_001379500.1(COL18A1):c.1552C>T (p.Pro518Ser)

Gene: COL18A1 (collagen type XVIII alpha 1 chain; plus strand). Cytogenetic location: 21q22.3.
Variant type: single nucleotide variant.
Coding change: c.1552C>T on transcript NM_001379500.1 (MANE Select); coding-DNA position 1552, C replaced by T.
Protein change: p.Pro518Ser; replaces proline 518 with serine.
Molecular consequence: missense variant.
Genome position (GRCh38, 1-based): chr21:45,480,799, C>T. VCF-style: chr21-45480799-C-T. GRCh37 (hg19) VCF-style: chr21-46900713-C-T.
Other names: c.2092C>T, p.Pro698Ser (NM_030582.4); c.2797C>T, p.Pro933Ser (NM_130444.3); short protein forms P518S, P933S, P698S.
Identifiers: ClinVar variation 1948010 (VCV001948010.2), dbSNP rs2517627656, ClinGen allele CA410517853.
Genomic context (GRCh38, chr21:45,480,799, plus strand): 5'-GTCCCAGGCCTGCCCGGCGAGCCAGGCCGCTTTGGGGTGAACAGCTCCGACGTCCCAGGA[C>T]CCGCCGGCCTTCCTGGTGTGCCTGGGCGCGAGGGTCCCCCCGGGTTTCCTGGCCTCCCGG-3'
Protein context (NP_001366429.1, residues 508-528): FGVNSSDVPG[Pro518Ser]AGLPGVPGRE

ClinVar aggregate classification (germline): Uncertain significance (1 of 4 stars; one submission).

Submission:

Labcorp Genetics (formerly Invitae), Labcorp
Classification: Uncertain significance. Last evaluated: 2022-01-15. Review status: criteria provided, single submitter. Criteria: Invitae Variant Classification Sherloc (09022015). Collection method: clinical testing. Allele origin: germline.
Comment: This sequence change replaces proline, which is neutral and non-polar, with serine, which is neutral and polar, at codon 518 of the COL18A1 protein (p.Pro518Ser). This variant is not present in population databases (gnomAD no frequency). This variant has not been reported in the literature in individuals affected with COL18A1-related conditions. Experimental studies and prediction algorithms are not available or were not evaluated, and the functional significance of this variant is currently unknown. In summary, the available evidence is currently insufficient to determine the role of this variant in disease. Therefore, it has been classified as a Variant of Uncertain Significance.